The following is an entry in ClinVar:

ClinVar aggregate classification (germline): Uncertain significance. Review status: criteria provided, multiple submitters, no conflicts (2 of 4 stars). 2 submissions from 2 submitters: Uncertain significance (2). Last evaluated 2025-01-22.

Conditions:
Inborn genetic diseases. Identifiers: MedGen C0950123, MeSH D030342.

Allele frequency attached by ClinVar (database versions not stated): TOPMed below 0.00001; gnomAD exomes 0.00001.

Submissions (2):

Ambry Genetics
Classification: Uncertain significance for Inborn genetic diseases. Last evaluated: 2025-01-22. Review status: criteria provided, single submitter. Criteria: Ambry Variant Classification Scheme 2023. Collection method: clinical testing. Allele origin: germline.

Labcorp Genetics (formerly Invitae), Labcorp
Classification: Uncertain significance. Last evaluated: 2023-05-09. Review status: criteria provided, single submitter. Criteria: Invitae Variant Classification Sherloc (09022015). Collection method: clinical testing. Allele origin: germline.
Comment: In summary, the available evidence is currently insufficient to determine the role of this variant in disease. Therefore, it has been classified as a Variant of Uncertain Significance. Advanced modeling of protein sequence and biophysical properties (such as structural, functional, and spatial information, amino acid conservation, physicochemical variation, residue mobility, and thermodynamic stability) has been performed at Invitae for this missense variant, however the output from this modeling did not meet the statistical confidence thresholds required to predict the impact of this variant on PNPT1 protein function. ClinVar contains an entry for this variant (Variation ID: 2313123). This variant has not been reported in the literature in individuals affected with PNPT1-related conditions. This variant is present in population databases (no rsID available, gnomAD 0.0009%). This sequence change replaces proline, which is neutral and non-polar, with threonine, which is neutral and polar, at codon 143 of the PNPT1 protein (p.Pro143Thr).

NM_033109.5(PNPT1):c.427C>A (p.Pro143Thr)

Gene: PNPT1 (polyribonucleotide nucleotidyltransferase 1; minus strand). Cytogenetic location: 2p16.1.
Variant type: single nucleotide variant.
Coding change: c.427C>A on transcript NM_033109.5 (MANE Select); coding-DNA position 427, C replaced by A.
Protein change: p.Pro143Thr; replaces proline 143 with threonine.
Molecular consequence: missense variant.
Genome position (GRCh38, 1-based): chr2:55,683,811, G>T on the plus strand (C>A on the coding strand, the complement: PNPT1 is on the minus strand). VCF-style: chr2-55683811-G-T. GRCh37 (hg19) VCF-style: chr2-55910946-G-T.
Other names: short protein forms P143T.
Identifiers: ClinVar variation 2313123 (VCV002313123.4), dbSNP rs1042958677, ClinGen allele CA47665765.